The following is an entry in ClinVar:

ClinVar aggregate classification (germline): Likely pathogenic. Review status: criteria provided, single submitter (1 of 4 stars). 2 submissions from 2 submitters: Likely pathogenic (1). 1 of the submissions does not count toward it. Last evaluated 2023-12-05.

Conditions:
Autosomal recessive congenital ichthyosis 2 (ARCI2). Identifiers: Orphanet 281122, Orphanet 79394, MedGen C3888093, MONDO:0009439, OMIM 242100.
Lamellar ichthyosis. Identifiers: Orphanet 313, MedGen C5848247, MONDO:0017778.

Submissions (2):

Women's Health and Genetics/Laboratory Corporation of America, LabCorp
Classification: Likely pathogenic for Lamellar ichthyosis. Last evaluated: 2023-12-05. Review status: criteria provided, single submitter. Criteria: LabCorp Variant Classification Summary - May 2015. Collection method: clinical testing. Allele origin: germline.
Comment: Variant summary: ALOX12B c.1261C>T (p.His421Tyr) results in a conservative amino acid change located in the Lipoxygenase, C-terminal domain (IPR013819) of the encoded protein sequence. Four of five in-silico tools predict a damaging effect of the variant on protein function. The variant was absent in 628162 control chromosomes (gnomAD). c.1261C>T has been reported in the literature in both homozygous and compound heterozygous individuals affected with Lamellar Ichthyosis (e.g., Diociaiuti_2016, Lesueur_2007). These data indicate that the variant is likely to be associated with disease. To our knowledge, no experimental evidence demonstrating an impact on protein function has been reported. The following publications have been ascertained in the context of this evaluation (PMID: 26762237, 17139268). One submitter has reported clinical-significance assessments for this variant to ClinVar after 2014 and has classified the variant as pathogenic/likely pathogenic. Based on the evidence outlined above, the variant was classified as likely pathogenic.

Institute for Human Genetics, University Medical Center Freiburg
Classification: Pathogenic for Autosomal recessive congenital ichthyosis 2. Last evaluated: 2021-01-07. Review status: no assertion criteria provided. Collection method: clinical testing. Allele origin: unknown. Affected: yes. Not counted in ClinVar's aggregate classification.

Literature cited by the submitters: PubMed 26762237 (cited by Women's Health and Genetics/Laboratory Corporation of America, LabCorp); PubMed 17139268 (cited by Women's Health and Genetics/Laboratory Corporation of America, LabCorp and Institute for Human Genetics, University Medical Center Freiburg).

NM_001139.3(ALOX12B):c.1261C>T (p.His421Tyr)

Gene: ALOX12B (arachidonate 12-lipoxygenase, 12R type; minus strand). Cytogenetic location: 17p13.1.
Variant type: single nucleotide variant.
Coding change: c.1261C>T on transcript NM_001139.3 (MANE Select); coding-DNA position 1261, C replaced by T.
Protein change: p.His421Tyr; replaces histidine 421 with tyrosine.
Molecular consequence: missense variant.
Genome position (GRCh38, 1-based): chr17:8,077,004, G>A on the plus strand (C>T on the coding strand, the complement: ALOX12B is on the minus strand). VCF-style: chr17-8077004-G-A. GRCh37 (hg19) VCF-style: chr17-7980322-G-A.
Other names: short protein forms H421Y.
Identifiers: ClinVar variation 995737 (VCV000995737.3), dbSNP rs1977099347, ClinGen allele CA397991860.